The following is an entry in ClinVar:

NM_001372.4(DNAH9):c.9857G>A (p.Arg3286His)

Gene: DNAH9 (dynein axonemal heavy chain 9; plus strand). Cytogenetic location: 17p12.
Variant type: single nucleotide variant.
Coding change: c.9857G>A on transcript NM_001372.4 (MANE Select); coding-DNA position 9857, G replaced by A.
Protein change: p.Arg3286His; replaces arginine 3286 with histidine.
Molecular consequence: missense variant.
Genome position (GRCh38, 1-based): chr17:11,854,352, G>A. VCF-style: chr17-11854352-G-A. GRCh37 (hg19) VCF-style: chr17-11757669-G-A.
Other names: short protein forms R3286H.
Identifiers: ClinVar variation 1520165 (VCV001520165.8), dbSNP rs745510339, ClinGen allele CA8397316.
Genomic context (GRCh38, chr17:11,854,352, plus strand): 5'-GCTCCTGGGTCATCAATATTGTGAGATTTTATGAGGTGTTCTGTGATGTGGAACCCAAGC[G>A]CCAGGCACTGAACAAAGCCACCGCGGACCTCACAGCTGCCCAGGAGAAGCTGGCTGCCAT-3'
Protein context (NP_001363.2, residues 3276-3296): YEVFCDVEPK[Arg3286His]QALNKATADL

ClinVar aggregate classification (germline): Uncertain significance (1 of 4 stars; one submission).

Allele frequency attached by ClinVar (database versions not stated): gnomAD 0.00004; gnomAD exomes 0.00004 and 0.00007; ExAC 0.00007; TOPMed 0.00008; 1000 Genomes Project 30x 0.00016.
gnomAD v4.1: 58 of 1,613,966 alleles (0.0036%); highest among the groups gnomAD compares: Admixed American, 0.032%; no homozygotes.

Submission:

Labcorp Genetics (formerly Invitae), Labcorp
Classification: Uncertain significance. Last evaluated: 2023-05-22. Review status: criteria provided, single submitter. Criteria: Invitae Variant Classification Sherloc (09022015). Collection method: clinical testing. Allele origin: germline.
Comment: This variant is present in population databases (rs745510339, gnomAD 0.03%). In summary, the available evidence is currently insufficient to determine the role of this variant in disease. Therefore, it has been classified as a Variant of Uncertain Significance. Advanced modeling of protein sequence and biophysical properties (such as structural, functional, and spatial information, amino acid conservation, physicochemical variation, residue mobility, and thermodynamic stability) performed at Invitae indicates that this missense variant is expected to disrupt DNAH9 protein function. ClinVar contains an entry for this variant (Variation ID: 1520165). This variant has not been reported in the literature in individuals affected with DNAH9-related conditions. This sequence change replaces arginine, which is basic and polar, with histidine, which is basic and polar, at codon 3286 of the DNAH9 protein (p.Arg3286His).